The following is an entry in ClinVar:

NM_001282201.2(ZNF630):c.*1T>C

Genes: ZNF630 (zinc finger protein 630; minus strand), ZNF630-AS1 (ZNF630 antisense RNA 1; plus strand). Cytogenetic location: Xp11.23.
Variant type: single nucleotide variant.
Coding change: c.*1T>C on transcript NM_001282201.2 (MANE Select); 1 bases downstream of the stop codon, T replaced by C.
Molecular consequence: 3 prime UTR variant.
Genome position (GRCh38, 1-based): chrX:48,058,467, A>G on the plus strand (T>C on the coding strand, the complement: ZNF630 is on the minus strand). VCF-style: chrX-48058467-A-G. GRCh37 (hg19) VCF-style: chrX-47917856-A-G.
Other names: c.*1T>C (NM_001037735.4, NM_001190255.3, NM_001282202.3).
Identifiers: ClinVar variation 2660440 (VCV002660440.24), dbSNP rs191698441, ClinGen allele CA10400266.

ClinVar aggregate classification (germline): Likely benign (1 of 4 stars; one submission).

Allele frequency attached by ClinVar (database versions not stated): gnomAD exomes 0.00026; 1000 Genomes Project 0.00079; gnomAD 0.00009; TOPMed 0.00016; ExAC 0.00026; 1000 Genomes Project 30x 0.00083.
gnomAD v4.1: 276 of 1,142,023 alleles (0.024%); highest among the groups gnomAD compares: East Asian, 0.82%; 2 homozygotes.

Submission:

CeGaT Center for Human Genetics Tuebingen
Classification: Likely benign. Last evaluated: 2022-11-01. Review status: criteria provided, single submitter. Criteria: CeGaT Center For Human Genetics Tuebingen Variant Classification Criteria Version 2. Collection method: clinical testing. Allele origin: germline. Affected: yes. Observed: 1 variant allele.
Comment: ZNF630: BS2